The following is an entry in ClinVar:

NM_004168.4(SDHA):c.743G>C (p.Arg248Thr)

Gene: SDHA (succinate dehydrogenase complex flavoprotein subunit A; plus strand). Cytogenetic location: 5p15.33.
Variant type: single nucleotide variant.
Coding change: c.743G>C on transcript NM_004168.4 (MANE Select); coding-DNA position 743, G replaced by C.
Protein change: p.Arg248Thr; replaces arginine 248 with threonine.
Molecular consequence: missense variant.
Genome position (GRCh38, 1-based): chr5:228,306, G>C. VCF-style: chr5-228306-G-C. GRCh37 (hg19) VCF-style: chr5-228421-G-C.
Other names: c.599G>C, p.Arg200Thr (NM_001294332.2); c.743G>C, p.Arg248Thr (NM_001330758.2); c.743G>C (NM_004168.2); short protein forms R200T, R248T.
Identifiers: ClinVar variation 1970091 (VCV001970091.6), dbSNP rs2477317420, ClinGen allele CA359011147.
Genomic context (GRCh38, chr5:228,306, plus strand): 5'-ATGGGGAGTGCCGTGGTGTCATCGCACTGTGCATAGAGGACGGGTCCATCCATCGCATAA[G>C]AGCAAAGAACACTGTTGTTGCCACAGGGTAGGAATCTCATTTCTACTTTATTTTGTTTAT-3'
Protein context (NP_004159.2, residues 238-258): CIEDGSIHRI[Arg248Thr]AKNTVVATGG

ClinVar aggregate classification (germline): Uncertain significance. Review status: criteria provided, multiple submitters, no conflicts (2 of 4 stars). 2 submissions from 2 submitters: Uncertain significance (2). Last evaluated 2026-02-19.

Conditions:
Mitochondrial complex II deficiency, nuclear type 1. Also called: SUCCINATE CoQ REDUCTASE DEFICIENCY. Identifiers: Orphanet 3208, MedGen C5700310, MONDO:0100294, OMIM 252011.
Pheochromocytoma/paraganglioma syndrome 5. Also called: Paragangliomas 5; SDHA-Related Hereditary Paraganglioma-Pheochromocytoma Syndrome. Identifiers: Orphanet 29072, MedGen C3279992, MONDO:0013602, OMIM 614165.
Hereditary cancer-predisposing syndrome. Also called: Tumor predisposition; Hereditary Cancer Syndrome; Hereditary neoplastic syndrome; Neoplastic Syndromes, Hereditary. Identifiers: Orphanet 140162, MedGen C0027672, MeSH D009386, MONDO:0015356.

Submissions (2):

Ambry Genetics
Classification: Uncertain significance for Hereditary cancer-predisposing syndrome. Last evaluated: 2026-02-19. Review status: criteria provided, single submitter. Criteria: Ambry Variant Classification Scheme 2023. Collection method: clinical testing. Allele origin: germline.
Comment: The p.R248T variant (also known as c.743G>C), located in coding exon 6 of the SDHA gene, results from a G to C substitution at nucleotide position 743. The arginine at codon 248 is replaced by threonine, an amino acid with similar properties. This amino acid position is highly conserved in available vertebrate species. In addition, this alteration is predicted to be deleterious by in silico analysis. Based on the available evidence, the clinical significance of this variant remains unclear.

Labcorp Genetics (formerly Invitae), Labcorp
Classification: Uncertain significance for Pheochromocytoma/paraganglioma syndrome 5; Mitochondrial complex II deficiency, nuclear type 1. Last evaluated: 2024-08-10. Review status: criteria provided, single submitter. Criteria: Invitae Variant Classification Sherloc (09022015). Collection method: clinical testing. Allele origin: germline.
Comment: This sequence change replaces arginine, which is basic and polar, with threonine, which is neutral and polar, at codon 248 of the SDHA protein (p.Arg248Thr). This variant is not present in population databases (gnomAD no frequency). This variant has not been reported in the literature in individuals affected with SDHA-related conditions. ClinVar contains an entry for this variant (Variation ID: 1970091). Advanced modeling of protein sequence and biophysical properties (such as structural, functional, and spatial information, amino acid conservation, physicochemical variation, residue mobility, and thermodynamic stability) performed at Invitae indicates that this missense variant is not expected to disrupt SDHA protein function with a negative predictive value of 95%. In summary, the available evidence is currently insufficient to determine the role of this variant in disease. Therefore, it has been classified as a Variant of Uncertain Significance.